The following is an entry in ClinVar:

ClinVar aggregate classification (germline): Uncertain significance (1 of 4 stars; one submission).

Conditions:
Nemaline myopathy 2 (NEM2). Also called: Nemaline myopathy 2, autosomal recessive. Identifiers: MedGen C1850569, MONDO:0009725, OMIM 256030.

Allele frequency attached by ClinVar (database versions not stated): gnomAD exomes below 0.00001.
gnomAD v4.1: 2 of 1,589,060 alleles (0.00013%); highest among the groups gnomAD compares: Non-Finnish European, 0.00017%; no homozygotes.

Submission:

Labcorp Genetics (formerly Invitae), Labcorp
Classification: Uncertain significance for Nemaline myopathy 2. Last evaluated: 2022-08-06. Review status: criteria provided, single submitter. Criteria: Invitae Variant Classification Sherloc (09022015). Collection method: clinical testing. Allele origin: germline.
Comment: This sequence change replaces serine, which is neutral and polar, with glycine, which is neutral and non-polar, at codon 6682 of the NEB protein (p.Ser6682Gly). This variant is not present in population databases (gnomAD no frequency). This variant has not been reported in the literature in individuals affected with NEB-related conditions. Algorithms developed to predict the effect of missense changes on protein structure and function are either unavailable or do not agree on the potential impact of this missense change (SIFT: "Deleterious"; PolyPhen-2: "Not Available"; Align-GVGD: "Class C0"). In summary, the available evidence is currently insufficient to determine the role of this variant in disease. Therefore, it has been classified as a Variant of Uncertain Significance.

NM_001164508.2(NEB):c.20044A>G (p.Ser6682Gly)

Gene: NEB (nebulin; minus strand). Cytogenetic location: 2q23.3.
Variant type: single nucleotide variant.
Coding change: c.20044A>G on transcript NM_001164508.2 (MANE Select); coding-DNA position 20044, A replaced by G.
Protein change: p.Ser6682Gly; replaces serine 6682 with glycine.
Molecular consequence: missense variant.
Genome position (GRCh38, 1-based): chr2:151,549,641, T>C on the plus strand (A>G on the coding strand, the complement: NEB is on the minus strand). VCF-style: chr2-151549641-T-C. GRCh37 (hg19) VCF-style: chr2-152406155-T-C.
Other names: c.20044A>G, p.Ser6682Gly (NM_001164507.2, NM_001271208.2); c.14941A>G, p.Ser4981Gly (NM_004543.5); short protein forms S4981G, S6682G.
Identifiers: ClinVar variation 2419775 (VCV002419775.2), dbSNP rs2552182158, ClinGen allele CA348786480.